The following is an entry in ClinVar:

ClinVar aggregate classification (germline): Uncertain significance (1 of 4 stars; one submission).

Conditions:
Familial hemiplegic migraine. Identifiers: MedGen C0338484, MONDO:0000700.

gnomAD v4.1: 1 of 1,613,946 alleles (0.000062%); highest among the groups gnomAD compares: African/African-American, 0.0013%; no homozygotes.

Submission:

Labcorp Genetics (formerly Invitae), Labcorp
Classification: Uncertain significance for Familial hemiplegic migraine. Last evaluated: 2024-04-17. Review status: criteria provided, single submitter. Criteria: Invitae Variant Classification Sherloc (09022015). Collection method: clinical testing. Allele origin: germline.
Comment: This sequence change replaces valine, which is neutral and non-polar, with methionine, which is neutral and non-polar, at codon 662 of the ATP1A2 protein (p.Val662Met). This variant is present in population databases (rs140581671, gnomAD 0.007%). This variant has not been reported in the literature in individuals affected with ATP1A2-related conditions. Advanced modeling of protein sequence and biophysical properties (such as structural, functional, and spatial information, amino acid conservation, physicochemical variation, residue mobility, and thermodynamic stability) performed at Invitae indicates that this missense variant is not expected to disrupt ATP1A2 protein function with a negative predictive value of 80%. In summary, the available evidence is currently insufficient to determine the role of this variant in disease. Therefore, it has been classified as a Variant of Uncertain Significance.

NM_000702.4(ATP1A2):c.1984G>A (p.Val662Met)

Gene: ATP1A2 (ATPase Na+/K+ transporting subunit alpha 2; plus strand). Cytogenetic location: 1q23.2.
Variant type: single nucleotide variant.
Coding change: c.1984G>A on transcript NM_000702.4 (MANE Select); coding-DNA position 1984, G replaced by A.
Protein change: p.Val662Met; replaces valine 662 with methionine.
Molecular consequence: missense variant.
Genome position (GRCh38, 1-based): chr1:160,135,164, G>A. VCF-style: chr1-160135164-G-A. GRCh37 (hg19) VCF-style: chr1-160104954-G-A.
Other names: short protein forms V662M.
Identifiers: ClinVar variation 3650205 (VCV003650205.2).